The following is an entry in ClinVar:

NM_002693.3(POLG):c.2440G>C (p.Val814Leu)

Gene: POLG (DNA polymerase gamma, catalytic subunit; minus strand). Cytogenetic location: 15q26.1.
Variant type: single nucleotide variant.
Coding change: c.2440G>C on transcript NM_002693.3 (MANE Select); coding-DNA position 2440, G replaced by C.
Protein change: p.Val814Leu; replaces valine 814 with leucine.
Molecular consequence: missense variant.
Genome position (GRCh38, 1-based): chr15:89,322,002, C>G on the plus strand (G>C on the coding strand, the complement: POLG is on the minus strand). VCF-style: chr15-89322002-C-G. GRCh37 (hg19) VCF-style: chr15-89865233-C-G.
Other names: c.2440G>C, p.Val814Leu (NM_001126131.2); short protein forms V814L.
Identifiers: ClinVar variation 2491825 (VCV002491825.5), dbSNP rs549564927, ClinGen allele CA393754996.

ClinVar aggregate classification (germline): Uncertain significance. Review status: criteria provided, multiple submitters, no conflicts (2 of 4 stars). 2 submissions from 2 submitters: Uncertain significance (2). Last evaluated 2023-07-25.

Conditions:
Progressive sclerosing poliodystrophy (MTDPS4A). Also called: NEURONAL DEGENERATION OF CHILDHOOD WITH LIVER DISEASE, PROGRESSIVE; ALPERS PROGRESSIVE INFANTILE POLIODYSTROPHY; Alpers-Huttenlocher Syndrome; Alpers Syndrome; ALPERS DIFFUSE DEGENERATION OF CEREBRAL GRAY MATTER WITH HEPATIC CIRRHOSIS; Mitochondrial DNA depletion syndrome 4A (Alpers type). Identifiers: Orphanet 726, MedGen C0205710, MONDO:0008758, OMIM 203700.
Inborn genetic diseases. Identifiers: MedGen C0950123, MeSH D030342.

Submissions (2):

Labcorp Genetics (formerly Invitae), Labcorp
Classification: Uncertain significance for Progressive sclerosing poliodystrophy. Last evaluated: 2023-07-25. Review status: criteria provided, single submitter. Criteria: Invitae Variant Classification Sherloc (09022015). Collection method: clinical testing. Allele origin: germline.
Comment: This variant is not present in population databases (gnomAD no frequency). This sequence change replaces valine, which is neutral and non-polar, with leucine, which is neutral and non-polar, at codon 814 of the POLG protein (p.Val814Leu). This variant has not been reported in the literature in individuals affected with POLG-related conditions. ClinVar contains an entry for this variant (Variation ID: 2491825). Advanced modeling of protein sequence and biophysical properties (such as structural, functional, and spatial information, amino acid conservation, physicochemical variation, residue mobility, and thermodynamic stability) has been performed at Invitae for this missense variant, however the output from this modeling did not meet the statistical confidence thresholds required to predict the impact of this variant on POLG protein function. In summary, the available evidence is currently insufficient to determine the role of this variant in disease. Therefore, it has been classified as a Variant of Uncertain Significance.

Ambry Genetics
Classification: Uncertain significance for Inborn genetic diseases. Last evaluated: 2023-03-01. Review status: criteria provided, single submitter. Criteria: Ambry Variant Classification Scheme 2023. Collection method: clinical testing. Allele origin: germline.